The following is an entry in ClinVar:

ClinVar aggregate classification (germline): Uncertain significance. Review status: criteria provided, single submitter (1 of 4 stars). 2 submissions from 2 submitters: Uncertain significance (1). 1 of the submissions does not count toward it. Last evaluated 2025-02-20.

Conditions:
Pulmonary fibrosis and/or bone marrow failure, Telomere-related, 3. Also called: PULMONARY FIBROSIS AND/OR BONE MARROW FAILURE SYNDROME, TELOMERE-RELATED, 3. Identifiers: Orphanet 2032, MedGen C4225346, MONDO:0014613, OMIM 616373.
Dyskeratosis congenita, autosomal recessive 5 (DKCB5). Identifiers: MedGen C3554656, MONDO:0014076, OMIM 615190.
Dyskeratosis congenita. Identifiers: Orphanet 1775, MedGen C0265965, MONDO:0015780.

Allele frequency attached by ClinVar (database versions not stated): gnomAD 0.00001; gnomAD exomes 0.00001 and 0.00002; TOPMed 0.00001; ExAC 0.00002; ESP Exome Variant Server 0.00008.
gnomAD v4.1: 16 of 1,612,526 alleles (0.00099%); highest among the groups gnomAD compares: South Asian, 0.0066%; no homozygotes.

Submissions (2):

Labcorp Genetics (formerly Invitae), Labcorp
Classification: Uncertain significance for Dyskeratosis congenita, autosomal recessive 5; Pulmonary fibrosis and/or bone marrow failure, Telomere-related, 3. Last evaluated: 2025-02-20. Review status: criteria provided, single submitter. Criteria: Invitae Variant Classification Sherloc (09022015). Collection method: clinical testing. Allele origin: germline.
Comment: This sequence change replaces aspartic acid, which is acidic and polar, with asparagine, which is neutral and polar, at codon 926 of the RTEL1 protein (p.Asp926Asn). This variant is present in population databases (rs369357121, gnomAD 0.006%). This variant has not been reported in the literature in individuals affected with RTEL1-related conditions. ClinVar contains an entry for this variant (Variation ID: 660215). An algorithm developed to predict the effect of missense changes on protein structure and function (PolyPhen-2) suggests that this variant is likely to be disruptive. In summary, the available evidence is currently insufficient to determine the role of this variant in disease. Therefore, it has been classified as a Variant of Uncertain Significance.

Natera, Inc.
Classification: Uncertain significance for Dyskeratosis congenita. Last evaluated: 2020-02-21. Review status: no assertion criteria provided. Collection method: clinical testing. Allele origin: germline. Not counted in ClinVar's aggregate classification.

NM_001283009.2(RTEL1):c.2776G>A (p.Asp926Asn)

Genes: RTEL1-TNFRSF6B (RTEL1-TNFRSF6B readthrough (NMD candidate); plus strand), RTEL1 (regulator of telomere elongation helicase 1; plus strand). Cytogenetic location: 20q13.33.
Variant type: single nucleotide variant.
Coding change: c.2776G>A on transcript NM_001283009.2 (MANE Select); coding-DNA position 2776, G replaced by A.
Protein change: p.Asp926Asn; replaces aspartic acid 926 with asparagine.
Molecular consequence: missense variant. On other transcripts: non-coding transcript variant (1).
Genome position (GRCh38, 1-based): chr20:63,692,928, G>A. VCF-style: chr20-63692928-G-A. GRCh37 (hg19) VCF-style: chr20-62324281-G-A.
Other names: c.2107G>A, p.Asp703Asn (NM_001283010.1); c.2776G>A, p.Asp926Asn (NM_016434.4); c.2848G>A, p.Asp950Asn (NM_032957.5); short protein forms D703N, D926N, D950N.
Identifiers: ClinVar variation 660215 (VCV000660215.7), dbSNP rs369357121, ClinGen allele CA9965530.